The following is an entry in ClinVar:

ClinVar aggregate classification (germline): Uncertain significance. Review status: criteria provided, multiple submitters, no conflicts (2 of 4 stars). 2 submissions from 2 submitters: Uncertain significance (2). Last evaluated 2025-03-14.

Conditions:
Hereditary cancer-predisposing syndrome. Also called: Tumor predisposition; Hereditary Cancer Syndrome; Hereditary neoplastic syndrome; Neoplastic Syndromes, Hereditary. Identifiers: Orphanet 140162, MedGen C0027672, MeSH D009386, MONDO:0015356.
Familial adenomatous polyposis 1 (FAP1). Also called: FAMILIAL ADENOMATOUS POLYPOSIS 1, ATTENUATED; POLYPOSIS, ADENOMATOUS INTESTINAL. Identifiers: MedGen C2713442, MONDO:0021056, OMIM 175100. Disease mechanism: loss of function.

Allele frequency attached by ClinVar (database versions not stated): gnomAD exomes below 0.00001.
gnomAD v4.1: 5 of 1,614,168 alleles (0.00031%); highest among the groups gnomAD compares: Non-Finnish European, 0.00034%; no homozygotes.

Submissions (2):

Ambry Genetics
Classification: Uncertain significance for Hereditary cancer-predisposing syndrome. Last evaluated: 2025-03-14. Review status: criteria provided, single submitter. Criteria: Ambry Variant Classification Scheme 2023. Collection method: clinical testing. Allele origin: germline.
Comment: The p.S92A variant (also known as c.274T>G), located in coding exon 3 of the APC gene, results from a T to G substitution at nucleotide position 274. The serine at codon 92 is replaced by alanine, an amino acid with similar properties. This variant was reported in individual(s) with features consistent with APC-related familial adenomatous polyposis (Ambry internal data). This amino acid position is highly conserved in available vertebrate species. In addition, in silico predictors for this gene do not accurately predict pathogenicity. Missense alterations in APC are not a common cause of disease (Spier I et al. Genet Med. 2024 Feb;26(2):100992). Based on the available evidence, the clinical significance of this variant remains unclear.

Labcorp Genetics (formerly Invitae), Labcorp
Classification: Uncertain significance for Familial adenomatous polyposis 1. Last evaluated: 2025-03-11. Review status: criteria provided, single submitter. Criteria: Invitae Variant Classification Sherloc (09022015). Collection method: clinical testing. Allele origin: germline.
Comment: This sequence change replaces serine, which is neutral and polar, with alanine, which is neutral and non-polar, at codon 92 of the APC protein (p.Ser92Ala). This variant is not present in population databases (gnomAD no frequency). This variant has not been reported in the literature in individuals affected with APC-related conditions. ClinVar contains an entry for this variant (Variation ID: 537476). Invitae Evidence Modeling of protein sequence and biophysical properties (such as structural, functional, and spatial information, amino acid conservation, physicochemical variation, residue mobility, and thermodynamic stability) indicates that this missense variant is not expected to disrupt APC protein function with a negative predictive value of 95%. In summary, the available evidence is currently insufficient to determine the role of this variant in disease. Therefore, it has been classified as a Variant of Uncertain Significance.

NM_000038.6(APC):c.274T>G (p.Ser92Ala)

Gene: APC (APC regulator of Wnt signaling pathway; plus strand). Cytogenetic location: 5q22.2.
Variant type: single nucleotide variant.
Coding change: c.274T>G on transcript NM_000038.6 (MANE Select); coding-DNA position 274, T replaced by G.
Protein change: p.Ser92Ala; replaces serine 92 with alanine.
Molecular consequence: missense variant. On other transcripts: 5 prime UTR variant (1).
Genome position (GRCh38, 1-based): chr5:112,767,242, T>G. VCF-style: chr5-112767242-T-G. GRCh37 (hg19) VCF-style: chr5-112102939-T-G.
Other names: c.274T>G, p.Ser92Ala (NM_001127510.3, NM_001354895.2, NM_001354896.2 and 2 more transcripts); c.304T>G, p.Ser102Ala (NM_001127511.3, NM_001354897.2, NM_001354902.2); c.199T>G, p.Ser67Ala (NM_001354898.2, NM_001354904.2); c.97T>G, p.Ser33Ala (NM_001354900.2, NM_001354901.2, NM_001354905.2); c.-762T>G (NM_001354906.2); short protein forms S102A, S92A, S33A, S67A.
Identifiers: ClinVar variation 537476 (VCV000537476.17), dbSNP rs1554069716, ClinGen allele CA16021939.